The following is an entry in ClinVar:

ClinVar aggregate classification (germline): Pathogenic (1 of 4 stars; one submission).

Conditions:
DICER1-related tumor predisposition. Also called: DICER1-related pleuropulmonary blastoma cancer predisposition syndrome; DICER1 syndrome. Identifiers: Orphanet 284343, MedGen C3839822, MONDO:0100216.

Submission:

Foulkes Cancer Genetics LDI, Lady Davis Institute for Medical Research
Classification: Pathogenic for Pleuropulmonary blastoma. Last evaluated: 2019-07-01. Review status: criteria provided, single submitter. Criteria: ACMG Guidelines, 2015. Collection method: curation. Allele origin: somatic. Affected: yes. Observed: 3 variant alleles.
Comment: ACMG criteria met: PS3, PM1, PM2, PM7, PP3, PP4, BP1

Literature cited by the submitters: PubMed 26289771; PubMed 29037807.

NM_177438.3(DICER1):c.5126A>T (p.Asp1709Val)

Gene: DICER1 (dicer 1, ribonuclease III; minus strand). Cytogenetic location: 14q32.13.
Variant type: single nucleotide variant.
Coding change: c.5126A>T on transcript NM_177438.3 (MANE Select); coding-DNA position 5126, A replaced by T.
Protein change: p.Asp1709Val; replaces aspartic acid 1709 with valine.
Molecular consequence: missense variant.
Genome position (GRCh38, 1-based): chr14:95,094,126, T>A on the plus strand (A>T on the coding strand, the complement: DICER1 is on the minus strand). VCF-style: chr14-95094126-T-A. GRCh37 (hg19) VCF-style: chr14-95560463-T-A.
Other names: c.5126A>T, p.Asp1709Val (NM_001195573.1, NM_001271282.3, NM_001291628.2 and 1 more transcripts); short protein forms D1709V.
Identifiers: ClinVar variation 933030 (VCV000933030.3), dbSNP rs1555366979, ClinGen allele CA390865391.